The following is an entry in ClinVar:

NM_000038.6(APC):c.1248C>T (p.Tyr416=)

Gene: APC (APC regulator of Wnt signaling pathway; plus strand). Cytogenetic location: 5q22.2.
Variant type: single nucleotide variant.
Coding change: c.1248C>T on transcript NM_000038.6 (MANE Select); coding-DNA position 1248, C replaced by T.
Protein change: p.Tyr416=; no amino-acid change (tyrosine 416 retained).
Molecular consequence: synonymous variant.
Genome position (GRCh38, 1-based): chr5:112,819,280, C>T. VCF-style: chr5-112819280-C-T. GRCh37 (hg19) VCF-style: chr5-112154977-C-T.
Other names: c.1248C>T, p.Tyr416= (NM_001127510.3, NM_001354895.2, NM_001354896.2); c.1194C>T, p.Tyr398= (NM_001127511.3); c.1278C>T, p.Tyr426= (NM_001354897.2); c.1173C>T, p.Tyr391= (NM_001354898.2); c.1164C>T, p.Tyr388= (NM_001354899.2); c.1071C>T, p.Tyr357= (NM_001354900.2, NM_001354901.2); c.975C>T, p.Tyr325= (NM_001354902.2); c.945C>T, p.Tyr315= (NM_001354903.2); and 3 more.
Identifiers: ClinVar variation 1162146 (VCV001162146.12), dbSNP rs2149783185, ClinGen allele CA445960376.

ClinVar aggregate classification (germline): Benign/Likely benign. Review status: criteria provided, multiple submitters, no conflicts (2 of 4 stars). 3 submissions from 3 submitters: Benign (1); Likely benign (2). Last evaluated 2025-02-11.

Conditions:
Familial adenomatous polyposis 1 (FAP1). Also called: POLYPOSIS, ADENOMATOUS INTESTINAL; FAMILIAL ADENOMATOUS POLYPOSIS 1, ATTENUATED. Identifiers: MedGen C2713442, MONDO:0021056, OMIM 175100. Disease mechanism: loss of function.
Hereditary cancer-predisposing syndrome. Also called: Hereditary Cancer Syndrome; Hereditary neoplastic syndrome; Neoplastic Syndromes, Hereditary; Tumor predisposition. Identifiers: Orphanet 140162, MedGen C0027672, MeSH D009386, MONDO:0015356.

Submissions (3):

Labcorp Genetics (formerly Invitae), Labcorp
Classification: Likely benign for Familial adenomatous polyposis 1. Last evaluated: 2025-02-11. Review status: criteria provided, single submitter. Criteria: Invitae Variant Classification Sherloc (09022015). Collection method: clinical testing. Allele origin: germline.

Myriad Genetics, Inc.
Classification: Benign for Familial adenomatous polyposis 1. Last evaluated: 2024-03-01. Review status: criteria provided, single submitter. Criteria: Myriad Autosomal Dominant, Autosomal Recessive and X-Linked Classification Criteria (2023). Collection method: clinical testing. Allele origin: unknown.
Comment: This variant is considered benign. This variant is a silent/synonymous amino acid change and it is not expected to impact splicing.

Ambry Genetics
Classification: Likely benign for Hereditary cancer-predisposing syndrome. Last evaluated: 2020-09-26. Review status: criteria provided, single submitter. Criteria: Ambry Variant Classification Scheme 2023. Collection method: clinical testing. Allele origin: germline.